The following is an entry in ClinVar:

ClinVar aggregate classification (germline): Uncertain significance. Review status: criteria provided, multiple submitters, no conflicts (2 of 4 stars). 7 submissions from 7 submitters: Uncertain significance (5). 2 of the submissions do not count toward it. Last evaluated 2026-01-13.

Conditions:
Neurofibromatosis, type 1 (NF1). Also called: Peripheral type neurofibromatosis; NEUROFIBROMATOSIS, TYPE I, SOMATIC; VON RECKLINGHAUSEN DISEASE; Neurofibromatosis, type I. Identifiers: Orphanet 636, MedGen C0027831, MONDO:0018975, OMIM 162200. Disease mechanism: loss of function.
Hereditary cancer-predisposing syndrome. Also called: Hereditary neoplastic syndrome; Tumor predisposition; Hereditary Cancer Syndrome; Neoplastic Syndromes, Hereditary. Identifiers: Orphanet 140162, MedGen C0027672, MeSH D009386, MONDO:0015356.
Cardiovascular phenotype. Identifiers: MedGen CN230736.

Allele frequency attached by ClinVar (database versions not stated): ExAC 0.00001; gnomAD 0.00001; gnomAD exomes 0.00001; TOPMed 0.00001.

Submissions (7):

Labcorp Genetics (formerly Invitae), Labcorp
Classification: Uncertain significance for Neurofibromatosis, type 1. Last evaluated: 2026-01-13. Review status: criteria provided, single submitter. Criteria: Invitae Variant Classification Sherloc (09022015). Collection method: clinical testing. Allele origin: germline.
Comment: This sequence change replaces methionine, which is neutral and non-polar, with threonine, which is neutral and polar, at codon 1440 of the NF1 protein (p.Met1440Thr). This variant is present in population databases (rs754639587, gnomAD 0.002%). This missense change has been observed in individual(s) with clinical features of neurofibromatosis type 1 (PMID: 28961165). ClinVar contains an entry for this variant (Variation ID: 431641). Invitae Evidence Modeling of protein sequence and biophysical properties (such as structural, functional, and spatial information, amino acid conservation, physicochemical variation, residue mobility, and thermodynamic stability) indicates that this missense variant is expected to disrupt NF1 protein function with a positive predictive value of 95%. In summary, the available evidence is currently insufficient to determine the role of this variant in disease. Therefore, it has been classified as a Variant of Uncertain Significance.

Ambry Genetics
Classification: Uncertain significance for Cardiovascular phenotype; Hereditary cancer-predisposing syndrome. Last evaluated: 2024-12-02. Review status: criteria provided, single submitter. Criteria: Ambry Variant Classification Scheme 2023. Collection method: clinical testing. Allele origin: germline.
Comment: The p.M1440T variant (also known as c.4319T>C), located in coding exon 32 of the NF1 gene, results from a T to C substitution at nucleotide position 4319. The methionine at codon 1440 is replaced by threonine, an amino acid with similar properties. This alteration has been reported in an individual with a clinical diagnosis of Neurofibromatosis type 1 (NF1), and classified as a variant of uncertain significance by the authors (Bonatti F et al. Int J Mol Sci, 2017 Sep;18:). This amino acid position is highly conserved in available vertebrate species. In addition, this alteration is predicted to be deleterious by in silico analysis. Since supporting evidence is limited at this time, the clinical significance of this alteration remains unclear.

Genome-Nilou Lab
Classification: Uncertain significance for Neurofibromatosis, type 1. Last evaluated: 2022-03-15. Review status: criteria provided, single submitter. Criteria: ACMG Guidelines, 2015. Collection method: clinical testing. Allele origin: germline. Affected: no.

Women's Health and Genetics/Laboratory Corporation of America, LabCorp
Classification: Uncertain significance. Last evaluated: 2021-12-27. Review status: criteria provided, single submitter. Criteria: LabCorp Variant Classification Summary - May 2015. Collection method: clinical testing. Allele origin: germline.
Comment: Variant summary: NF1 c.4319T>C (p.Met1440Thr) results in a non-conservative amino acid change located in the Ras GTPase-activating domain (IPR001936) of the encoded protein sequence. Five of five in-silico tools predict a damaging effect of the variant on protein function. The variant allele was found at a frequency of 8.3e-06 in 239966 control chromosomes. The available data on variant occurrences in the general population are insufficient to allow any conclusion about variant significance. c.4319T>C has been reported in the literature with a pathogenicity score of 3 (VUS) in a study of individuals with a clinical diagnosis of Neurofibromatosis Type 1 (example, Bonatti_2017). These report(s) do not provide unequivocal conclusions about association of the variant with Neurofibromatosis Type 1. To our knowledge, no experimental evidence demonstrating an impact on protein function has been reported. Three clinical diagnostic laboratories have submitted clinical-significance assessments for this variant to ClinVar after 2014 without evidence for independent evaluation. All laboratories classified the variant as uncertain significance. Based on the evidence outlined above, the variant was classified as uncertain significance.

CeGaT Center for Human Genetics Tuebingen
Classification: Uncertain significance. Last evaluated: 2020-10-01. Review status: criteria provided, single submitter. Criteria: CeGaT Center For Human Genetics Tuebingen Variant Classification Criteria Version 2. Collection method: clinical testing. Allele origin: germline. Affected: yes. Observed: 1 variant allele.

Medical Genetics, University of Parma
Classification: Uncertain significance for Neurofibromatosis type 1. Last evaluated: 2017-02-02. Review status: no assertion criteria provided. Collection method: clinical testing. Allele origin: germline. Affected: yes. Not counted in ClinVar's aggregate classification.

GeneDx
Classification: Likely pathogenic. Last evaluated: 2022-12-09. Review status: flagged submission. Criteria: GeneDx Variant Classification Process June 2021. Collection method: clinical testing. Allele origin: germline. Affected: yes. Not counted in ClinVar's aggregate classification.
Comment: In silico analysis supports that this missense variant has a deleterious effect on protein structure/function; This variant is associated with the following publications: (PMID: 26582918, 22807134, 25074460, 28961165, 25486365)
ClinVar note: Reason: Outlier claim with insufficient supporting evidence

Literature cited by the submitters: PubMed 28961165 (cited by 3 submitters).

NM_001042492.3(NF1):c.4382T>C (p.Met1461Thr)

Gene: NF1 (neurofibromin 1; plus strand). Cytogenetic location: 17q11.2.
Variant type: single nucleotide variant.
Coding change: c.4382T>C on transcript NM_001042492.3 (MANE Select); coding-DNA position 4382, T replaced by C.
Protein change: p.Met1461Thr; replaces methionine 1461 with threonine.
Molecular consequence: missense variant.
Genome position (GRCh38, 1-based): chr17:31,259,081, T>C. VCF-style: chr17-31259081-T-C. GRCh37 (hg19) VCF-style: chr17-29586099-T-C.
Other names: c.4319T>C, p.Met1440Thr (NM_000267.4); short protein forms M1440T, M1461T.
Identifiers: ClinVar variation 431641 (VCV000431641.48), dbSNP rs754639587, ClinGen allele CA8486402.